The following is an entry in ClinVar:

ClinVar aggregate classification (germline): Pathogenic/Likely pathogenic. Review status: criteria provided, multiple submitters, no conflicts (2 of 4 stars). 14 submissions from 14 submitters: Pathogenic (10); Likely pathogenic (2). 2 of the submissions do not count toward it. Last evaluated 2025-02-16.

Conditions:
KIF1A-related disorder. Also called: KIF1A-related disorders; KIF1A-related condition.
Hereditary spastic paraplegia 30. Identifiers: Orphanet 101010, MedGen C5235139, MONDO:0012476.
Neuropathy, hereditary sensory and autonomic, type 2A (HSAN2A). Also called: HSAN IIA; WNK1-Related HSAN2 (HSAN2A); MORVAN DISEASE; NEUROPATHY, CONGENITAL SENSORY; NEUROPATHY, HEREDITARY SENSORY RADICULAR, AUTOSOMAL RECESSIVE; NEUROPATHY, HEREDITARY SENSORY, TYPE IIA. Identifiers: Orphanet 970, MedGen C2752089, MONDO:0024309, OMIM 201300.
Neuropathy, hereditary sensory, type 2C. Also called: Hereditary sensory and autonomic neuropathy type IIC; KIF1A-Related HSAN2 (HSAN2C). Identifiers: Orphanet 970, MedGen C3280168, MONDO:0013634, OMIM 614213.
Intellectual disability, autosomal dominant 9 (NESCAVS). Also called: KIF1A-Related Neurodevelopmental Disorder; NESCAV SYNDROME. Identifiers: Orphanet 662367, MedGen C5393830, MONDO:0013656, OMIM 614255.
Inborn genetic diseases. Identifiers: MedGen C0950123, MeSH D030342.

Allele frequency attached by ClinVar (database versions not stated): gnomAD exomes below 0.00001.

Submissions (14):

Laboratory of Genetics, Children's Clinical University Hospital Latvia
Classification: Pathogenic. Last evaluated: 2025-02-16. Review status: criteria provided, single submitter. Criteria: ACMG Guidelines, 2015. Collection method: clinical testing. Allele origin: germline. Affected: yes.

Dasa
Classification: Pathogenic. Last evaluated: 2024-09-06. Review status: criteria provided, single submitter. Criteria: DASA Assertion Criteria. Collection method: clinical testing. Allele origin: germline.
Comment: NM_001244008.2(KIF1A):c.760C>T (p.Arg254Trp) is a missense variant that results in the substitution of arginine with tryptophan. Based on the available data, this variant is classified as pathogenic.

Labcorp Genetics (formerly Invitae), Labcorp
Classification: Pathogenic for Hereditary spastic paraplegia 30; Neuropathy, hereditary sensory, type 2C; Intellectual disability, autosomal dominant 9. Last evaluated: 2024-04-02. Review status: criteria provided, single submitter. Criteria: Invitae Variant Classification Sherloc (09022015). Collection method: clinical testing. Allele origin: germline.
Comment: This sequence change replaces arginine, which is basic and polar, with tryptophan, which is neutral and slightly polar, at codon 254 of the KIF1A protein (p.Arg254Trp). This variant is not present in population databases (gnomAD no frequency). This missense change has been observed in individual(s) with clinical features of autosomal dominant hereditary spastic paraplegia (PMID: 26354034, 30564185). In at least one individual the variant was observed to be de novo. ClinVar contains an entry for this variant (Variation ID: 245636). Advanced modeling of protein sequence and biophysical properties (such as structural, functional, and spatial information, amino acid conservation, physicochemical variation, residue mobility, and thermodynamic stability) performed at Invitae indicates that this missense variant is expected to disrupt KIF1A protein function with a positive predictive value of 95%. This variant disrupts the p.Arg254 amino acid residue in KIF1A. Other variant(s) that disrupt this residue have been determined to be pathogenic (PMID: 26354034). This suggests that this residue is clinically significant, and that variants that disrupt this residue are likely to be disease-causing. For these reasons, this variant has been classified as Pathogenic.

CeGaT Center for Human Genetics Tuebingen
Classification: Pathogenic. Last evaluated: 2023-04-01. Review status: criteria provided, single submitter. Criteria: CeGaT Center For Human Genetics Tuebingen Variant Classification Criteria Version 2. Collection method: clinical testing. Allele origin: germline. Affected: yes. Observed: 1 variant allele.
Comment: KIF1A: PM2, PM5, PS2:Moderate, PS4:Moderate, PP2, PP3

3billion
Classification: Pathogenic for Intellectual disability, autosomal dominant 9. Last evaluated: 2022-05-22. Review status: criteria provided, single submitter. Criteria: ACMG Guidelines, 2015. Collection method: clinical testing. Allele origin: germline. Affected: yes. Observed: 1 heterozygote.
Comment: The variant is not observed in the gnomAD v2.1.1 dataset. The variant is located in a mutational hot spot and/or well-established functional domain in which established pathogenic variants have been reported. Missense changes are a common disease-causing mechanism. In silico tool predictions suggest damaging effect of the variant on gene or gene product (REVEL: 0.81; 3Cnet: 0.99). Same nucleotide change resulting in same amino acid change has been previously reported as pathogenic/likely pathogenic with strong evidence (ClinVar ID: VCV000245636). Different missense changes at the same codon (p.Arg254Gln, p.Arg254Pro) have been reported as pathogenic/likely pathogenic with strong evidence (ClinVar ID: VCV000280500, VCV000392042). Therefore, this variant is classified as pathogenic according to the recommendation of ACMG/AMP guideline.

GeneDx
Classification: Pathogenic. Last evaluated: 2021-10-29. Review status: criteria provided, single submitter. Criteria: GeneDx Variant Classification Process June 2021. Collection method: clinical testing. Allele origin: germline. Affected: yes.
Comment: In silico analysis, which includes protein predictors and evolutionary conservation, supports a deleterious effect; Not observed in large population cohorts (gnomAD); Published functional studies demonstrate that the variant results in impaired microtubule-based motility (Boyle et al., 2021); This variant is associated with the following publications: (PMID: 26354034, 28332297, 30612907, 33619735, 21376300, 26125038, 21820098, 30564185, 33880452, 32096284)

Institute of Medical Genetics and Applied Genomics, University Hospital Tübingen
Classification: Likely pathogenic. Last evaluated: 2020-10-23. Review status: criteria provided, single submitter. Criteria: ACMG Guidelines, 2015. Collection method: clinical testing. Allele origin: germline. Inheritance: Unknown mechanism. Affected: yes.

SIB Swiss Institute of Bioinformatics
Classification: Pathogenic for Intellectual disability, autosomal dominant 9. Last evaluated: 2020-06-15. Review status: criteria provided, single submitter. Criteria: ACMG Guidelines, 2015. Collection method: curation. Allele origin: unknown.
Comment: This variant is interpreted as pathogenic for NESCAV syndrome, autosomal dominant. The following ACMG Tag(s) were applied: Absent from controls (or at extremely low frequency if recessive) in Exome Sequencing Project, 1000 Genomes Project, or Exome Aggregation Consortium (PM2); De novo (paternity and maternity confirmed) (PS2); Multiple lines of computational evidence support a deleterious effect on the gene or gene product (PP3); Missense variant in a gene that has a low rate of benign missense variation and in which missense variants are a common mechanism of disease (PP2); Located in a mutational hot spot and/or critical and well-established functional domain (e.g., active site of an enzyme) without benign variation (PM1 downgraded to supporting); Prevalence in affected individuals statistically increased over controls (PS4 downgraded to supporting).

Fulgent Genetics
Classification: Likely pathogenic for Neuropathy, hereditary sensory and autonomic, type 2A; Spastic paraplegia 30A, autosomal dominant; Neuropathy, hereditary sensory, type 2C; Intellectual disability, autosomal dominant 9. Last evaluated: 2018-10-31. Review status: criteria provided, single submitter. Criteria: ACMG Guidelines, 2015. Collection method: clinical testing. Allele origin: unknown.

Institute of Human Genetics Munich, TUM University Hospital
Classification: Pathogenic for Intellectual disability, autosomal dominant 9. Last evaluated: 2018-01-30. Review status: criteria provided, single submitter. Criteria: Classification criteria August 2017. Collection method: clinical testing. Allele origin: de novo. Inheritance: Autosomal dominant inheritance. Affected: yes. Observed: 1 heterozygote.

Eurofins Ntd Llc (ga)
Classification: Pathogenic. Last evaluated: 2017-06-08. Review status: criteria provided, single submitter. Criteria: EGL Classification Definitions 2015. Collection method: clinical testing. Allele origin: germline. Observed: 1 variant allele, 1 heterozygote.

Ambry Genetics
Classification: Pathogenic for Inborn genetic diseases. Last evaluated: 2016-02-19. Review status: criteria provided, single submitter. Criteria: Ambry exome assertion method (8-5-2015). Collection method: clinical testing. Allele origin: germline. Affected: yes. Observed: 2 variant alleles.

PreventionGenetics, part of Exact Sciences
Classification: Pathogenic for KIF1A-related condition. Last evaluated: 2024-08-09. Review status: no assertion criteria provided. Collection method: clinical testing. Allele origin: germline. Not counted in ClinVar's aggregate classification.
Comment: The KIF1A c.760C>T variant is predicted to result in the amino acid substitution p.Arg254Trp. This variant has been reported as a de novo finding in multiple individuals with autosomal dominant neurodegeneration and spasticity with or without cerebellar atrophy or cortical visual impairment (NESCAV) syndrome (Ohba et al. 2015. PubMed ID: 26354034; Sakamoto et al. 2022. PubMed ID: 36305856; Kim et al. 2023. PubMed ID: 37180992). This variant has not been reported in a large population database, indicating it is rare. An in vitro experimental study suggests this variant affects the KIF1A motor function (Boyle et al. 2021. PubMed ID: 33880452). An alternate missense change affecting the same amino acid (p.Arg254Gln) has been reported de novo in an individual with NESCAV syndrome (Ohba et al. 2015. PubMed ID: 26354034). In summary, the c.760C>T (p.Arg254Trp) variant is interpreted as pathogenic.

OMIM
Classification: Pathogenic for NESCAV SYNDROME. Last evaluated: 2020-04-16. Review status: no assertion criteria provided. Collection method: literature only. Allele origin: germline. Not counted in ClinVar's aggregate classification.

Literature cited by the submitters: PubMed 26354034 (cited by 3 submitters); PubMed 30564185 (cited by Labcorp Genetics (formerly Invitae), Labcorp); PubMed 32096284 (cited by SIB Swiss Institute of Bioinformatics).

NM_001244008.2(KIF1A):c.760C>T (p.Arg254Trp)

Gene: KIF1A (kinesin family member 1A; minus strand). Cytogenetic location: 2q37.3.
Variant type: single nucleotide variant.
Coding change: c.760C>T on transcript NM_001244008.2 (MANE Select); coding-DNA position 760, C replaced by T.
Protein change: p.Arg254Trp; replaces arginine 254 with tryptophan.
Molecular consequence: missense variant.
Genome position (GRCh38, 1-based): chr2:240,783,777, G>A on the plus strand (C>T on the coding strand, the complement: KIF1A is on the minus strand). VCF-style: chr2-240783777-G-A. GRCh37 (hg19) VCF-style: chr2-241723194-G-A.
Other names: c.760C>T, p.Arg254Trp (NM_001320705.2, NM_001330289.2, NM_001330290.2 and 20 more transcripts); short protein forms R254W.
Identifiers: ClinVar variation 245636 (VCV000245636.53), dbSNP rs879253888, ClinGen allele CA10584198.
Genomic context (GRCh38, chr2:240,783,777, plus strand): 5'-CGCATGGCGGCCTGGCCCCTACCTTGAGGCGCGTGCCCTTGGCTCCCGTGGAGTCAGCCC[G>A]CTCGCTCCCAGCCAGGTCCACCAGGCTGATTTTGCTCACCTGAAACAGTAGATACATCAC-3'
Protein context (NP_001230937.1, residues 244-264): ISLVDLAGSE[Arg254Trp]ADSTGAKGTR